The following is an entry in ClinVar:

ClinVar aggregate classification (germline): Conflicting classifications of pathogenicity. Review status: criteria provided, conflicting classifications (1 of 4 stars). 3 submissions from 3 submitters: Uncertain significance (2); Likely benign (1). Last evaluated 2025-09-16.

Conditions:
Chuvash polycythemia. Also called: POLYCYTHEMIA, VHL-DEPENDENT. Identifiers: Orphanet 238557, MedGen C1837915, MONDO:0009892, OMIM 263400.
Von Hippel-Lindau syndrome (VHLS). Also called: Von Hippel-Lindau; VHL syndrome; von Hippel–Lindau syndrome. Identifiers: Orphanet 892, MedGen C0019562, MONDO:0008667, OMIM 193300. Disease mechanism: loss of function.
Hereditary cancer-predisposing syndrome. Also called: Neoplastic Syndromes, Hereditary; Hereditary Cancer Syndrome; Hereditary neoplastic syndrome; Tumor predisposition. Identifiers: Orphanet 140162, MedGen C0027672, MeSH D009386, MONDO:0015356.

Allele frequency attached by ClinVar (database versions not stated): gnomAD exomes below 0.00001.

Submissions (3):

Ambry Genetics
Classification: Likely benign for Hereditary cancer-predisposing syndrome. Last evaluated: 2025-09-16. Review status: criteria provided, single submitter. Criteria: Ambry Variant Classification Scheme 2023. Collection method: clinical testing. Allele origin: germline.

Color Diagnostics, LLC DBA Color Health
Classification: Uncertain significance for Von Hippel-Lindau syndrome. Last evaluated: 2025-09-11. Review status: criteria provided, single submitter. Criteria: ACMG Guidelines, 2015. Collection method: clinical testing. Allele origin: germline.
Comment: This missense variant replaces methionine with isoleucine at codon 211 of the VHL protein. Computational prediction is inconclusive regarding the impact of this variant on protein structure and function. A functional study has reported that this variant does not impact VHL in a haploid cell proliferation assay (PMID: 38969834). This variant has not been reported in individuals affected with VHL-related disorders in the literature. This variant has not been identified in the general population by the Genome Aggregation Database (gnomAD). The available evidence is insufficient to determine the role of this variant in disease conclusively. Therefore, this variant is classified as a Variant of Uncertain Significance.

Labcorp Genetics (formerly Invitae), Labcorp
Classification: Uncertain significance for Von Hippel-Lindau syndrome; Chuvash polycythemia. Last evaluated: 2025-08-30. Review status: criteria provided, single submitter. Criteria: Invitae Variant Classification Sherloc (09022015). Collection method: clinical testing. Allele origin: germline.
Comment: This sequence change replaces methionine, which is neutral and non-polar, with isoleucine, which is neutral and non-polar, at codon 211 of the VHL protein (p.Met211Ile). This variant is not present in population databases (gnomAD no frequency). This variant has not been reported in the literature in individuals affected with VHL-related conditions. ClinVar contains an entry for this variant (Variation ID: 2184762). Invitae Evidence Modeling of protein sequence and biophysical properties (such as structural, functional, and spatial information, amino acid conservation, physicochemical variation, residue mobility, and thermodynamic stability) indicates that this missense variant is not expected to disrupt VHL protein function with a negative predictive value of 95%. In summary, the available evidence is currently insufficient to determine the role of this variant in disease. Therefore, it has been classified as a Variant of Uncertain Significance.

Literature cited by the submitters: PubMed 38969834 (cited by Ambry Genetics and Color Diagnostics, LLC DBA Color Health).

NM_000551.4(VHL):c.633G>A (p.Met211Ile)

Genes: VHL (von Hippel-Lindau tumor suppressor; plus strand), LOC107303340 (3p25 von Hippel-Lindau tumor suppressor, E3 ubiquitin protein ligase Alu-mediated recombination region; plus strand). Cytogenetic location: 3p25.3.
Variant type: single nucleotide variant.
Coding change: c.633G>A on transcript NM_000551.4 (MANE Select); coding-DNA position 633, G replaced by A.
Protein change: p.Met211Ile; replaces methionine 211 with isoleucine.
Molecular consequence: missense variant. On other transcripts: 3 prime UTR variant (1).
Genome position (GRCh38, 1-based): chr3:10,149,956, G>A. VCF-style: chr3-10149956-G-A. GRCh37 (hg19) VCF-style: chr3-10191640-G-A.
Other names: c.*187G>A (NM_001354723.2); c.510G>A, p.Met170Ile (NM_198156.3); short protein forms M211I, M170I.
Identifiers: ClinVar variation 2184762 (VCV002184762.6), dbSNP rs2125130877, ClinGen allele CA351756701.